The following is an entry in ClinVar:

NM_001988.4(EVPL):c.5460C>T (p.Leu1820=)

Gene: EVPL (envoplakin; minus strand). Cytogenetic location: 17q25.1.
Variant type: single nucleotide variant.
Coding change: c.5460C>T on transcript NM_001988.4 (MANE Select); coding-DNA position 5460, C replaced by T.
Protein change: p.Leu1820=; no amino-acid change (leucine 1820 retained).
Molecular consequence: synonymous variant.
Genome position (GRCh38, 1-based): chr17:76,007,745, G>A on the plus strand (C>T on the coding strand, the complement: EVPL is on the minus strand). VCF-style: chr17-76007745-G-A. GRCh37 (hg19) VCF-style: chr17-74003826-G-A.
Other names: c.5526C>T, p.Leu1842= (NM_001320747.2).
Identifiers: ClinVar variation 2648286 (VCV002648286.24), dbSNP rs775898685, ClinGen allele CA8777757.

ClinVar aggregate classification (germline): Likely benign (1 of 4 stars; one submission).

Allele frequency attached by ClinVar (database versions not stated): gnomAD exomes 0.00003; ExAC 0.00005.
gnomAD v4.1: 56 of 1,612,826 alleles (0.0035%); highest among the groups gnomAD compares: East Asian, 0.013%; no homozygotes.

Submission:

CeGaT Center for Human Genetics Tuebingen
Classification: Likely benign. Last evaluated: 2022-08-01. Review status: criteria provided, single submitter. Criteria: CeGaT Center For Human Genetics Tuebingen Variant Classification Criteria Version 2. Collection method: clinical testing. Allele origin: germline. Affected: yes. Observed: 1 variant allele.
Comment: EVPL: BP4, BP7